The following is an entry in ClinVar:

NM_001909.5(CTSD):c.675_704+1dup

Gene: CTSD (cathepsin D; minus strand). Cytogenetic location: 11p15.5.
Variant type: Duplication.
Coding change: c.675_704+1dup on transcript NM_001909.5 (MANE Select); coding-DNA position 675 through the canonical splice donor site of the intron after coding-DNA position 704, 31 bases duplicated.
Molecular consequence: splice donor variant.
Genome position (GRCh38, 1-based): chr11:1,757,323-1,757,353, 31 bases duplicated. GRCh37 (hg19): chr11:1,778,553-1,778,583.
Identifiers: ClinVar variation 2819428 (VCV002819428.3), dbSNP rs2493823379, ClinGen allele CA2739276113.
Genomic context (GRCh38, chr11:1,757,322, plus strand): 5'-TCCCCGTCCAGCCCCGCCCTGCCTCCCAGCAACGCGGAGCGAGAGGGAACCCACACGCCC[A>ACCTGCTCAGGTAGAAGGAGAAGATGTTCTGG]CCTGCTCAGGTAGAAGGAGAAGATGTTCTGGTCCACCAGCTTCTGCTGCATCAGGTTGTC-3'

ClinVar aggregate classification (germline): Likely pathogenic (1 of 4 stars; one submission).

Conditions:
Neuronal ceroid lipofuscinosis. Also called: Neuronal Ceroid Lipofuscinoses. Identifiers: Orphanet 216, Orphanet 79263, MedGen C0027877, MONDO:0016295. Disease mechanism: loss of function.

Submission:

Labcorp Genetics (formerly Invitae), Labcorp
Classification: Likely pathogenic for Neuronal ceroid lipofuscinosis. Last evaluated: 2022-12-08. Review status: criteria provided, single submitter. Criteria: Invitae Variant Classification Sherloc (09022015). Collection method: clinical testing. Allele origin: germline.
Comment: In summary, the currently available evidence indicates that the variant is pathogenic, but additional data are needed to prove that conclusively. Therefore, this variant has been classified as Likely Pathogenic. Algorithms developed to predict the effect of sequence changes on RNA splicing suggest that this variant may disrupt the consensus splice site. This variant has not been reported in the literature in individuals affected with CTSD-related conditions. This variant is not present in population databases (gnomAD no frequency). This sequence change affects a splice site in intron 5 of the CTSD gene. It is expected to disrupt RNA splicing. Variants that disrupt the donor or acceptor splice site typically lead to a loss of protein function (PMID: 16199547), and loss-of-function variants in CTSD are known to be pathogenic (PMID: 16670177, 26059544).

Literature cited by the submitters: PubMed 16199547; PubMed 16670177; PubMed 26059544.